The following is an entry in ClinVar:

NM_020163.3(SEMA3G):c.890C>G (p.Pro297Arg)

Gene: SEMA3G (semaphorin 3G; minus strand). Cytogenetic location: 3p21.1.
Variant type: single nucleotide variant.
Coding change: c.890C>G on transcript NM_020163.3 (MANE Select); coding-DNA position 890, C replaced by G.
Protein change: p.Pro297Arg; replaces proline 297 with arginine.
Molecular consequence: missense variant.
Genome position (GRCh38, 1-based): chr3:52,440,972, G>C on the plus strand (C>G on the coding strand, the complement: SEMA3G is on the minus strand). VCF-style: chr3-52440972-G-C. GRCh37 (hg19) VCF-style: chr3-52474988-G-C.
Other names: short protein forms P297R.
Identifiers: ClinVar variation 4983269 (VCV004983269.1).
Genomic context (GRCh38, chr3:52,440,972, plus strand): 5'-GCCTGCTTGGCCAGGCCCTCACCTAGCTGGTCAAAGTGGGTCTCGGCACCACCAGGGCCG[G>C]GCACCGAGCAGACCAGCCTGGCCTTGAGGAAAGTGCTCCATTTGTTCACCAGCACCCGCT-3'
Protein context (NP_064548.1, residues 287-307): FLKARLVCSV[Pro297Arg]GPGGAETHFD

ClinVar aggregate classification (germline): Uncertain significance (1 of 4 stars; one submission).

Conditions:
SEMA3G-related disorder. Also called: SEMA3G-related condition.

gnomAD v4.1: 4 of 1,607,334 alleles (0.00025%); highest among the groups gnomAD compares: Non-Finnish European, 0.00034%; no homozygotes.

Submission:

PreventionGenetics, part of Exact Sciences
Classification: Uncertain significance for SEMA3G-related condition. Last evaluated: 2025-08-13. Review status: criteria provided, single submitter. Criteria: ACMG Guidelines, 2015. Collection method: clinical testing. Allele origin: germline.
Comment: The SEMA3G c.890C>G variant is predicted to result in the amino acid substitution p.Pro297Arg. To our knowledge, this variant has not been reported in the literature. This variant is reported in 0.00090% of alleles in individuals of European (Non-Finnish) descent in gnomAD. At this time, the clinical significance of this variant is uncertain due to the absence of conclusive functional and genetic evidence.